The following is an entry in ClinVar:

ClinVar aggregate classification (germline): Uncertain significance (1 of 4 stars; one submission).

Allele frequency attached by ClinVar (database versions not stated): gnomAD exomes below 0.00001.
gnomAD v4.1: 2 of 1,199,251 alleles (0.00017%); highest among the groups gnomAD compares: South Asian, 0.0036%; no homozygotes.

Submission:

Labcorp Genetics (formerly Invitae), Labcorp
Classification: Uncertain significance. Last evaluated: 2023-01-16. Review status: criteria provided, single submitter. Criteria: Invitae Variant Classification Sherloc (09022015). Collection method: clinical testing. Allele origin: germline.
Comment: In summary, the available evidence is currently insufficient to determine the role of this variant in disease. Therefore, it has been classified as a Variant of Uncertain Significance. Algorithms developed to predict the effect of missense changes on protein structure and function output the following: SIFT: "Tolerated"; PolyPhen-2: "Benign"; Align-GVGD: "Class C0". The methionine amino acid residue is found in multiple mammalian species, which suggests that this missense change does not adversely affect protein function. This variant has not been reported in the literature in individuals affected with NYX-related conditions. This variant is not present in population databases (gnomAD no frequency). This sequence change replaces valine, which is neutral and non-polar, with methionine, which is neutral and non-polar, at codon 410 of the NYX protein (p.Val410Met).

NM_001378477.3(NYX):c.1213G>A (p.Val405Met)

Gene: NYX (nyctalopin; plus strand). Cytogenetic location: Xp11.4.
Variant type: single nucleotide variant.
Coding change: c.1213G>A on transcript NM_001378477.3 (MANE Select); coding-DNA position 1213, G replaced by A.
Protein change: p.Val405Met; replaces valine 405 with methionine.
Molecular consequence: missense variant.
Genome position (GRCh38, 1-based): chrX:41,474,681, G>A. VCF-style: chrX-41474681-G-A. GRCh37 (hg19) VCF-style: chrX-41333934-G-A.
Other names: c.1213G>A, p.Val405Met (NM_022567.3); short protein forms V405M.
Identifiers: ClinVar variation 2794771 (VCV002794771.3), dbSNP rs2519608877, ClinGen allele CA412993135.